The following is an entry in ClinVar:

NM_000454.5(SOD1):c.-26A>G

Genes: SOD1-DT (SOD1 divergent transcript; minus strand), SOD1 (superoxide dismutase 1; plus strand). Cytogenetic location: 21q22.11.
Variant type: single nucleotide variant.
Coding change: c.-26A>G on transcript NM_000454.5 (MANE Select); 26 bases upstream of the start codon, A replaced by G.
Molecular consequence: 5 prime UTR variant.
Genome position (GRCh38, 1-based): chr21:31,659,744, A>G. VCF-style: chr21-31659744-A-G. GRCh37 (hg19) VCF-style: chr21-33032057-A-G.
Identifiers: ClinVar variation 339667 (VCV000339667.5), dbSNP rs571199057, ClinGen allele CA9998847.

ClinVar aggregate classification (germline): Likely benign (1 of 4 stars; one submission).

Conditions:
Amyotrophic lateral sclerosis type 1 (ALS1). Also called: AMYOTROPHIC LATERAL SCLEROSIS 1, FAMILIAL. Identifiers: Orphanet 803, MedGen C1862939, MONDO:0007103, OMIM 105400.

Allele frequency attached by ClinVar (database versions not stated): gnomAD 0.00001; TOPMed 0.00001; gnomAD exomes 0.00003 and 0.00009; ExAC 0.00011; 1000 Genomes Project 30x 0.00016; 1000 Genomes Project 0.00020.
gnomAD v4.1: 49 of 1,613,630 alleles (0.003%); highest among the groups gnomAD compares: South Asian, 0.041%; no homozygotes.

Submission:

Illumina Laboratory Services, Illumina
Classification: Likely benign for Amyotrophic lateral sclerosis type 1. Last evaluated: 2018-01-12. Review status: criteria provided, single submitter. Criteria: ICSL Variant Classification Criteria 13 December 2019. Collection method: clinical testing. Allele origin: germline.
Comment: This variant was observed in the ICSL laboratory as part of a predisposition screen in an ostensibly healthy population. It had not been previously curated by ICSL or reported in the Human Gene Mutation Database (HGMD: prior to June 1st, 2018), and was therefore a candidate for classification through an automated scoring system. Utilizing variant allele frequency, disease prevalence and penetrance estimates, and inheritance mode, an automated score was calculated to assess if this variant is too frequent to cause the disease. Based on the score and internal cut-off values, a variant classified as likely benign is not then subjected to further curation. The score for this variant resulted in a classification of likely benign for this disease.